The following is an entry in ClinVar:

ClinVar aggregate classification (germline): Uncertain significance (1 of 4 stars; one submission).

Conditions:
Inborn genetic diseases. Identifiers: MedGen C0950123, MeSH D030342.

Submission:

Ambry Genetics
Classification: Uncertain significance for Inborn genetic diseases. Last evaluated: 2026-05-04. Review status: criteria provided, single submitter. Criteria: Ambry Variant Classification Scheme 2023. Collection method: clinical testing. Allele origin: germline.
Comment: The p.T72S variant (also known as c.215C>G), located in coding exon 3 of the AKT1 gene, results from a C to G substitution at nucleotide position 215. The threonine at codon 72 is replaced by serine, an amino acid with similar properties. This amino acid position is conserved. In addition, the in silico prediction for this alteration is inconclusive. Based on the available evidence, the clinical significance of this variant remains unclear.

NM_001382430.1(AKT1):c.215C>G (p.Thr72Ser)

Gene: AKT1 (AKT serine/threonine kinase 1; minus strand). Cytogenetic location: 14q32.33.
Variant type: single nucleotide variant.
Coding change: c.215C>G on transcript NM_001382430.1 (MANE Select); coding-DNA position 215, C replaced by G.
Protein change: p.Thr72Ser; replaces threonine 72 with serine.
Molecular consequence: missense variant.
Genome position (GRCh38, 1-based): chr14:104,776,731, G>C on the plus strand (C>G on the coding strand, the complement: AKT1 is on the minus strand). VCF-style: chr14-104776731-G-C. GRCh37 (hg19) VCF-style: chr14-105243068-G-C.
Other names: c.215C>G, p.Thr72Ser (NM_001382433.1, NM_005163.2, NM_001014431.2 and 3 more transcripts); short protein forms T72S.
Identifiers: ClinVar variation 4869248 (VCV004869248.1).